The following is an entry in ClinVar:

ClinVar aggregate classification (germline): Conflicting classifications of pathogenicity. Review status: criteria provided, conflicting classifications (1 of 4 stars). 2 submissions from 2 submitters: Pathogenic (1); Uncertain significance (1). Last evaluated 2024-03-26.

Conditions:
Cerebral arteriopathy, autosomal dominant, with subcortical infarcts and leukoencephalopathy, type 1 (CADASIL1). Also called: DEMENTIA, HEREDITARY MULTIINFARCT TYPE; CADASIL 1; CASIL; Cerebral arteriopathy with subcortical infarcts and leukoencephalopathy 1. Identifiers: Orphanet 136, MedGen C4551768, MONDO:0000914, OMIM 125310.

Submissions (2):

Genomic Medicine Center of Excellence, King Faisal Specialist Hospital and Research Centre
Classification: Uncertain significance for Cerebral arteriopathy, autosomal dominant, with subcortical infarcts and leukoencephalopathy, type 1. Last evaluated: 2024-03-26. Review status: criteria provided, single submitter. Criteria: ACMG Guidelines, 2015. Collection method: clinical testing. Allele origin: germline.

GeneDx
Classification: Pathogenic. Last evaluated: 2016-01-21. Review status: criteria provided, single submitter. Criteria: GeneDx Variant Classification (06012015). Collection method: clinical testing. Allele origin: germline. Affected: yes.
Comment: The Y2211X pathogenic variant in the NOTCH3 gene has not been reported previously as a pathogenic variant nor as a benign variant, to our knowledge. This variant is predicted to cause loss of normal protein function through protein truncation. The Y2211X variant was not observed in approximately 5,970 individuals of European and African American ancestry in the NHLBI Exome Sequencing Project, indicating it is not a common benign variant in these populations. We interpret Y2211X as a pathogenic variant.

NM_000435.3(NOTCH3):c.6633C>G (p.Tyr2211Ter)

Gene: NOTCH3 (notch receptor 3; minus strand). Cytogenetic location: 19p13.12.
Variant type: single nucleotide variant.
Coding change: c.6633C>G on transcript NM_000435.3 (MANE Select); coding-DNA position 6633, C replaced by G.
Protein change: p.Tyr2211Ter; replaces tyrosine 2211 with a stop codon.
Molecular consequence: nonsense.
Genome position (GRCh38, 1-based): chr19:15,160,995, G>C on the plus strand (C>G on the coding strand, the complement: NOTCH3 is on the minus strand). VCF-style: chr19-15160995-G-C. GRCh37 (hg19) VCF-style: chr19-15271806-G-C.
Other names: short protein forms Y2211*.
Identifiers: ClinVar variation 372434 (VCV000372434.3), dbSNP rs935487877, ClinGen allele CA16043086.